The following is an entry in ClinVar:

ClinVar aggregate classification (germline): Likely pathogenic. Review status: criteria provided, multiple submitters, no conflicts (2 of 4 stars). 3 submissions from 3 submitters: Likely pathogenic (3). Last evaluated 2023-01-08.

Conditions:
Mitochondrial short-chain Enoyl-Coa hydratase 1 deficiency. Also called: PxMD-ECHS1; Mitochondrial Short-Chain Enoyl-CoA Hydratase Deficiency; ECHS1 deficiency. Identifiers: Orphanet 255241, Orphanet 653880, MedGen C4225391, MONDO:0014563, OMIM 616277.
ECHS1-related disorder. Also called: ECHS1-related condition.
ECHS1-related disorders.

Allele frequency attached by ClinVar (database versions not stated): gnomAD exomes below 0.00001; gnomAD 0.00002; TOPMed 0.00004; ESP Exome Variant Server 0.00008.
gnomAD v4.1: 7 of 1,613,030 alleles (0.00043%); highest among the groups gnomAD compares: African/African-American, 0.0013%; no homozygotes.

Submissions (3):

PreventionGenetics, part of Exact Sciences
Classification: Likely pathogenic for ECHS1-related condition. Last evaluated: 2023-01-08. Review status: criteria provided, single submitter. Criteria: ACMG Guidelines, 2015. Collection method: clinical testing. Allele origin: germline.
Comment: The ECHS1 c.197T>C variant is predicted to result in the amino acid substitution p.Ile66Thr. This variant has been reported in the homozygous and compound heterozygous state in two unrelated individuals with mitochondrial short-chain enoyl-CoA hydratase 1 deficiency (Table 1, Family F2, Patient #42031, Haack et al. 2015. PubMed ID: 26000322; Table 1, Ganetzky et al. 2016. PubMed ID: 26920905; Table S1, Monies et al. 2019. PubMed ID: 31130284). This variant is reported in 2 of ~281,000 alleles in gnomAD. This variant is interpreted as likely pathogenic.

Blueprint Genetics
Classification: Likely pathogenic for ECHS1-related disorders. Last evaluated: 2021-09-15. Review status: criteria provided, single submitter. Criteria: ACMG Guidelines, 2015. Collection method: clinical testing. Allele origin: germline. Affected: yes. Observed: 1 variant allele.

Baylor Genetics
Classification: Likely pathogenic for Mitochondrial short-chain Enoyl-Coa hydratase 1 deficiency. Last evaluated: 2021-02-22. Review status: criteria provided, single submitter. Criteria: ACMG Guidelines, 2015. Collection method: clinical testing. Allele origin: unknown.

NM_004092.4(ECHS1):c.197T>C (p.Ile66Thr)

Gene: ECHS1 (enoyl-CoA hydratase, short chain 1; minus strand). Cytogenetic location: 10q26.3.
Variant type: single nucleotide variant.
Coding change: c.197T>C on transcript NM_004092.4 (MANE Select); coding-DNA position 197, T replaced by C.
Protein change: p.Ile66Thr; replaces isoleucine 66 with threonine.
Molecular consequence: missense variant.
Genome position (GRCh38, 1-based): chr10:133,370,649, A>G on the plus strand (T>C on the coding strand, the complement: ECHS1 is on the minus strand). VCF-style: chr10-133370649-A-G. GRCh37 (hg19) VCF-style: chr10-135184153-A-G.
Other names: c.197T>C (NM_004092.3); short protein forms I66T.
Identifiers: ClinVar variation 2441858 (VCV002441858.3), dbSNP rs371063211, ClinGen allele CA216819172.